The following is an entry in ClinVar:

ClinVar aggregate classification (germline): Uncertain significance (1 of 4 stars; one submission).

Allele frequency attached by ClinVar (database versions not stated): gnomAD exomes 0.00001.
gnomAD v4.1: 5 of 1,613,802 alleles (0.00031%); highest among the groups gnomAD compares: Non-Finnish European, 0.00042%; no homozygotes.

Submission:

Labcorp Genetics (formerly Invitae), Labcorp
Classification: Uncertain significance. Last evaluated: 2023-01-10. Review status: criteria provided, single submitter. Criteria: Invitae Variant Classification Sherloc (09022015). Collection method: clinical testing. Allele origin: germline.
Comment: In summary, the available evidence is currently insufficient to determine the role of this variant in disease. Therefore, it has been classified as a Variant of Uncertain Significance. Algorithms developed to predict the effect of sequence changes on RNA splicing suggest that this variant may disrupt the consensus splice site. This variant has not been reported in the literature in individuals affected with SNRNP200-related conditions. This variant is not present in population databases (gnomAD no frequency). This sequence change affects a donor splice site in intron 20 of the SNRNP200 gene. It is expected to disrupt RNA splicing. Variants that disrupt the donor or acceptor splice site typically lead to a loss of protein function (PMID: 16199547), however the current clinical and genetic evidence is not sufficient to establish whether loss-of-function variants in SNRNP200 cause disease.

Literature cited by the submitters: PubMed 16199547.

NM_014014.5(SNRNP200):c.2742+2T>C

Gene: SNRNP200 (small nuclear ribonucleoprotein U5 subunit 200; minus strand). Cytogenetic location: 2q11.2.
Variant type: single nucleotide variant.
Coding change: c.2742+2T>C on transcript NM_014014.5 (MANE Select); the canonical splice donor site of the intron after coding-DNA position 2742, T replaced by C.
Molecular consequence: splice donor variant.
Genome position (GRCh38, 1-based): chr2:96,290,324, A>G on the plus strand (T>C on the coding strand, the complement: SNRNP200 is on the minus strand). VCF-style: chr2-96290324-A-G. GRCh37 (hg19) VCF-style: chr2-96956062-A-G.
Identifiers: ClinVar variation 2775974 (VCV002775974.3), dbSNP rs2467335835, ClinGen allele CA347675932.